The following is an entry in ClinVar:

NC_000011.9:g.(?_108217996)_(108218102_?)del

Gene: ATM (ATM serine/threonine kinase; plus strand). Cytogenetic location: 11q22.3.
Variant type: Deletion.
Identifiers: ClinVar variation 1068285 (VCV001068285.5).

ClinVar aggregate classification (germline): Likely pathogenic (1 of 4 stars; one submission).

Conditions:
Ataxia-telangiectasia syndrome (AT). Also called: LOUIS-BAR SYNDROME; Ataxia-telangiectasia, complementation group D; AT, COMPLEMENTATION GROUP C; Cerebello-oculocutaneous telangiectasia; Immunodeficiency with ataxia telangiectasia; ATAXIA-TELANGIECTASIA, COMPLEMENTATION GROUP A. Identifiers: Orphanet 100, MedGen C0004135, MONDO:0008840, OMIM 208900.

Submission:

Labcorp Genetics (formerly Invitae), Labcorp
Classification: Likely pathogenic for Ataxia-telangiectasia syndrome. Last evaluated: 2020-03-23. Review status: criteria provided, single submitter. Criteria: Invitae Variant Classification Sherloc (09022015). Collection method: clinical testing. Allele origin: germline.
Comment: This variant disrupts the kinase domain of the ATM protein, which is important for ATM's role in the DNA damage response (PMID: 23532176, 27097373, 28508083). While functional studies have not been performed to directly test the effect of this variant on ATM protein function, this suggests that disruption of this region of the protein is causative of disease. This variant has not been reported in the literature in individuals with ATM-related conditions. This variant is an in-frame deletion of the genomic region encompassing exon(s) 59 of the ATM gene. It preserves the integrity of the reading frame. In summary, the currently available evidence indicates that the variant is pathogenic, but additional data are needed to prove that conclusively. Therefore, this variant has been classified as Likely Pathogenic.

Literature cited by the submitters: PubMed 23532176; PubMed 27097373; PubMed 28508083.